The following is an entry in ClinVar:

NM_025137.4(SPG11):c.3749T>C (p.Ile1250Thr)

Gene: SPG11 (SPG11 vesicle trafficking associated, spatacsin; minus strand). Cytogenetic location: 15q21.1.
Variant type: single nucleotide variant.
Coding change: c.3749T>C on transcript NM_025137.4 (MANE Select); coding-DNA position 3749, T replaced by C.
Protein change: p.Ile1250Thr; replaces isoleucine 1250 with threonine.
Molecular consequence: missense variant.
Genome position (GRCh38, 1-based): chr15:44,598,774, A>G on the plus strand (T>C on the coding strand, the complement: SPG11 is on the minus strand). VCF-style: chr15-44598774-A-G. GRCh37 (hg19) VCF-style: chr15-44890972-A-G.
Other names: c.3749T>C, p.Ile1250Thr (NM_001160227.2); short protein forms I1250T.
Identifiers: ClinVar variation 935153 (VCV000935153.11), dbSNP rs763244237, ClinGen allele CA7534855.

ClinVar aggregate classification (germline): Conflicting classifications of pathogenicity. Review status: criteria provided, conflicting classifications (1 of 4 stars). 4 submissions from 4 submitters: Uncertain significance (3); Likely benign (1). Last evaluated 2026-01-24.

Conditions:
Inborn genetic diseases. Identifiers: MedGen C0950123, MeSH D030342.
Hereditary spastic paraplegia 11. Also called: Spastic Paraplegia 11; SPASTIC PARAPLEGIA, AUTOSOMAL RECESSIVE, COMPLICATED, WITH THIN CORPUS CALLOSUM; SPASTIC PARAPLEGIA, AUTOSOMAL RECESSIVE, WITH MENTAL IMPAIRMENT AND THIN CORPUS CALLOSUM; Nakamura Osame syndrome; Autosomal recessive hereditary spastic paraplegia, mental impairment, and thin corpus callosum; Spastic paraplegia, mental retardation and thin corpus callosum. Identifiers: Orphanet 2822, MedGen C1858479, MONDO:0011445, OMIM 604360.
SPG11-related disorder. Also called: SPG11-related condition.

Allele frequency attached by ClinVar (database versions not stated): gnomAD exomes 0.00001 and 0.00009; ExAC 0.00003; gnomAD 0.00003; TOPMed 0.00003.
gnomAD v4.1: 22 of 1,614,092 alleles (0.0014%); highest among the groups gnomAD compares: East Asian, 0.049%; no homozygotes.

Submissions (4):

Labcorp Genetics (formerly Invitae), Labcorp
Classification: Likely benign for Hereditary spastic paraplegia 11. Last evaluated: 2026-01-24. Review status: criteria provided, single submitter. Criteria: Invitae Variant Classification Sherloc (09022015). Collection method: clinical testing. Allele origin: germline.

PreventionGenetics, part of Exact Sciences
Classification: Uncertain significance for SPG11-related condition. Last evaluated: 2025-04-28. Review status: criteria provided, single submitter. Criteria: ACMG Guidelines, 2015. Collection method: clinical testing. Allele origin: germline.
Comment: The SPG11 c.3749T>C variant is predicted to result in the amino acid substitution p.Ile1250Thr. To our knowledge, this variant has not been reported in the literature. This variant is reported in 0.12% of alleles in individuals of East Asian descent in gnomAD, which may be too common to be an undocumented cause of disease. At this time, the clinical significance of this variant is uncertain due to the absence of conclusive functional and genetic evidence.

Blueprint Genetics
Classification: Uncertain significance. Last evaluated: 2024-08-12. Review status: criteria provided, single submitter. Criteria: ACMG Guidelines, 2015. Collection method: clinical testing. Allele origin: germline.

Ambry Genetics
Classification: Uncertain significance for Inborn genetic diseases. Last evaluated: 2023-08-22. Review status: criteria provided, single submitter. Criteria: Ambry Variant Classification Scheme 2023. Collection method: clinical testing. Allele origin: germline.